The following is an entry in ClinVar:

ClinVar aggregate classification (germline): Pathogenic. Review status: criteria provided, multiple submitters, no conflicts (2 of 4 stars). 4 submissions from 4 submitters: Pathogenic (4). Last evaluated 2025-12-13.

Conditions:
Hereditary cancer-predisposing syndrome. Also called: Neoplastic Syndromes, Hereditary; Hereditary Cancer Syndrome; Tumor predisposition; Hereditary neoplastic syndrome. Identifiers: Orphanet 140162, MedGen C0027672, MeSH D009386, MONDO:0015356.
Familial cancer of breast. Also called: BREAST CANCER, FAMILIAL; Hereditary breast cancer; hereditary breast carcinoma. Identifiers: Orphanet 227535, MedGen C0346153, MONDO:0016419, OMIM 114480. Disease mechanism: loss of function.

Submissions (4):

Labcorp Genetics (formerly Invitae), Labcorp
Classification: Pathogenic for Familial cancer of breast. Last evaluated: 2025-12-13. Review status: criteria provided, single submitter. Criteria: Invitae Variant Classification Sherloc (09022015). Collection method: clinical testing. Allele origin: germline.
Comment: This sequence change creates a premature translational stop signal (p.Cys396Leufs*5) in the PALB2 gene. It is expected to result in an absent or disrupted protein product. Loss-of-function variants in PALB2 are known to be pathogenic (PMID: 17200668, 17200671, 17200672, 24136930, 25099575). This variant is not present in population databases (gnomAD no frequency). This premature translational stop signal has been observed in individual(s) with breast cancer (PMID: 26564480). ClinVar contains an entry for this variant (Variation ID: 402291). For these reasons, this variant has been classified as Pathogenic.

Ambry Genetics
Classification: Pathogenic for Hereditary cancer-predisposing syndrome. Last evaluated: 2025-01-13. Review status: criteria provided, single submitter. Criteria: Ambry Variant Classification Scheme 2023. Collection method: clinical testing. Allele origin: germline.
Comment: The c.1186dupT pathogenic mutation, located in coding exon 4 of the PALB2 gene, results from a duplication of T at nucleotide position 1186, causing a translational frameshift with a predicted alternate stop codon (p.C396Lfs*5). This variant is considered to be rare based on population cohorts in the Genome Aggregation Database (gnomAD). In addition to the clinical data presented in the literature, this alteration is expected to result in loss of function by premature protein truncation or nonsense-mediated mRNA decay. As such, this alteration is interpreted as a disease-causing mutation.

Myriad Genetics, Inc.
Classification: Pathogenic for Familial cancer of breast. Last evaluated: 2023-09-08. Review status: criteria provided, single submitter. Criteria: Myriad Autosomal Dominant, Autosomal Recessive and X-Linked Classification Criteria (2023). Collection method: clinical testing. Allele origin: unknown.
Comment: This variant is considered pathogenic. This variant creates a frameshift predicted to result in premature protein truncation.

Quest Diagnostics Nichols Institute San Juan Capistrano
Classification: Pathogenic. Last evaluated: 2018-10-19. Review status: criteria provided, single submitter. Criteria: Quest Diagnostics criteria. Collection method: clinical testing. Allele origin: germline.
Comment: The variant creates a premature nonsense codon, and is therefore predicted to significantly disrupt the protein structure. Found in at least one symptomatic patient, and not found in general population data.

Literature cited by the submitters: PubMed 17200668 (cited by Labcorp Genetics (formerly Invitae), Labcorp); PubMed 17200671 (cited by Labcorp Genetics (formerly Invitae), Labcorp); PubMed 17200672 (cited by Labcorp Genetics (formerly Invitae), Labcorp); PubMed 24136930 (cited by Labcorp Genetics (formerly Invitae), Labcorp); PubMed 25099575 (cited by Labcorp Genetics (formerly Invitae), Labcorp); PubMed 26564480 (cited by 3 submitters).

NM_024675.4(PALB2):c.1186dup (p.Cys396fs)

Gene: PALB2 (partner and localizer of BRCA2; minus strand). Cytogenetic location: 16p12.2.
Variant type: Duplication.
Coding change: c.1186dup on transcript NM_024675.4 (MANE Select); coding-DNA position 1186, one base duplicated (T; older notation c.1186dupT).
Protein change: p.Cys396fs; shifts the reading frame from cysteine 396.
Molecular consequence: frameshift variant.
Genome position (GRCh38, 1-based): chr16:23,635,360, A duplicated on the plus strand (T on the coding strand, the reverse complement: PALB2 is on the minus strand); the first of 2 consecutive A bases (chr16:23,635,360-23,635,361); duplicating either gives the same sequence. VCF-style (leftmost placement, unchanged base first): chr16-23635359-C-CA. GRCh37 (hg19) VCF-style: chr16-23646680-C-CA.
Other names: c.1186dupT (NM_024675.3); short protein forms C396fs.
Identifiers: ClinVar variation 402291 (VCV000402291.19), dbSNP rs1555461413, ClinGen allele CA16609599.